The following is an entry in ClinVar:

ClinVar aggregate classification (germline): Uncertain significance (1 of 4 stars; one submission).

Allele frequency attached by ClinVar (database versions not stated): gnomAD exomes below 0.00001; ExAC 0.00001.
gnomAD v4.1: 1 of 1,614,086 alleles (0.000062%); highest among the groups gnomAD compares: Non-Finnish European, 0.000085%; no homozygotes.

Submission:

Labcorp Genetics (formerly Invitae), Labcorp
Classification: Uncertain significance. Last evaluated: 2024-10-15. Review status: criteria provided, single submitter. Criteria: Invitae Variant Classification Sherloc (09022015). Collection method: clinical testing. Allele origin: germline.
Comment: This sequence change replaces leucine, which is neutral and non-polar, with phenylalanine, which is neutral and non-polar, at codon 510 of the ACOX2 protein (p.Leu510Phe). This variant is present in population databases (rs752559593, gnomAD 0.0009%). This variant has not been reported in the literature in individuals affected with ACOX2-related conditions. ClinVar contains an entry for this variant (Variation ID: 1412804). An algorithm developed to predict the effect of missense changes on protein structure and function (PolyPhen-2) suggests that this variant is likely to be disruptive. In summary, the available evidence is currently insufficient to determine the role of this variant in disease. Therefore, it has been classified as a Variant of Uncertain Significance.

NM_003500.4(ACOX2):c.1528C>T (p.Leu510Phe)

Gene: ACOX2 (acyl-CoA oxidase 2; minus strand). Cytogenetic location: 3p14.3.
Variant type: single nucleotide variant.
Coding change: c.1528C>T on transcript NM_003500.4 (MANE Select); coding-DNA position 1528, C replaced by T.
Protein change: p.Leu510Phe; replaces leucine 510 with phenylalanine.
Molecular consequence: missense variant.
Genome position (GRCh38, 1-based): chr3:58,522,600, G>A on the plus strand (C>T on the coding strand, the complement: ACOX2 is on the minus strand). VCF-style: chr3-58522600-G-A. GRCh37 (hg19) VCF-style: chr3-58508327-G-A.
Other names: short protein forms L510F.
Identifiers: ClinVar variation 1412804 (VCV001412804.8), dbSNP rs752559593, ClinGen allele CA2472028.